The following is an entry in ClinVar:

NM_012197.4(RABGAP1):c.1455G>A (p.Arg485=)

Gene: RABGAP1 (RAB GTPase activating protein 1; plus strand). Cytogenetic location: 9q33.2.
Variant type: single nucleotide variant.
Coding change: c.1455G>A on transcript NM_012197.4 (MANE Select); coding-DNA position 1455, G replaced by A.
Protein change: p.Arg485=; no amino-acid change (arginine 485 retained).
Molecular consequence: synonymous variant.
Genome position (GRCh38, 1-based): chr9:123,010,434, G>A. VCF-style: chr9-123010434-G-A. GRCh37 (hg19) VCF-style: chr9-125772713-G-A.
Identifiers: ClinVar variation 4872166 (VCV004872166.2).

ClinVar aggregate classification (germline): Likely benign (1 of 4 stars; one submission).

gnomAD v4.1: 1,757 of 1,613,784 alleles (0.11%); highest among the groups gnomAD compares: Middle Eastern, 0.95%; 9 homozygotes.

Submission:

CeGaT Center for Human Genetics Tuebingen
Classification: Likely benign. Last evaluated: 2026-05-01. Review status: criteria provided, single submitter. Criteria: CeGaT Center For Human Genetics Tuebingen Variant Classification Criteria Version 2. Collection method: clinical testing. Allele origin: germline. Affected: yes. Observed: 1 variant allele.
Comment: RABGAP1: BP4, BP7